The following is an entry in ClinVar:

NM_001165963.4(SCN1A):c.671T>C (p.Leu224Ser)

Gene: SCN1A (sodium voltage-gated channel alpha subunit 1; minus strand). Cytogenetic location: 2q24.3.
Variant type: single nucleotide variant.
Coding change: c.671T>C on transcript NM_001165963.4 (MANE Select); coding-DNA position 671, T replaced by C.
Protein change: p.Leu224Ser; replaces leucine 224 with serine.
Molecular consequence: missense variant. On other transcripts: 5 prime UTR variant (1), non-coding transcript variant (1).
Genome position (GRCh38, 1-based): chr2:166,052,875, A>G on the plus strand (T>C on the coding strand, the complement: SCN1A is on the minus strand). VCF-style: chr2-166052875-A-G. GRCh37 (hg19) VCF-style: chr2-166909385-A-G.
Other names: p.L224S:TTG>TCG; c.671T>C, p.Leu224Ser (NM_001165964.3, NM_001202435.3, NM_001353948.2 and 10 more transcripts); c.-1755T>C (NM_001353961.2); short protein forms L224S.
Identifiers: ClinVar variation 206929 (VCV000206929.4), dbSNP rs796053091, ClinGen allele CA317756.
Genomic context (GRCh38, chr2:166,052,875, plus strand): 5'-ATGATGGGTCCGTCTCATTATCTAACCTTGCTCTCACCTGGAATGACTGAAATCGTCTTC[A>G]ATGCTCGGAGAACTCTGAATGTTCTCAATGCCGAGACATTGCCCAGGTCCACAAACTCTG-3'
Protein context (NP_001159435.1, residues 214-234): ALRTFRVLRA[Leu224Ser]KTISVIPGLK

ClinVar aggregate classification (germline): Pathogenic. Review status: criteria provided, multiple submitters, no conflicts (2 of 4 stars). 2 submissions from 2 submitters: Pathogenic (2). Last evaluated 2025-10-04.

Conditions:
Generalized epilepsy with febrile seizures plus, type 2 (GEFSP2). Also called: GEFS+, TYPE 2. Identifiers: Orphanet 36387, MedGen C1858673, MONDO:0011461, OMIM 604403.

Submissions (2):

GeneDx
Classification: Pathogenic. Last evaluated: 2025-10-04. Review status: criteria provided, single submitter. Criteria: GeneDx Variant Classification Process June 2021. Collection method: clinical testing. Allele origin: germline. Affected: yes.
Comment: Not observed at significant frequency in large population cohorts (gnomAD); In silico analysis supports that this missense variant has a deleterious effect on protein structure/function; This variant is associated with the following publications: (PMID: 29655203, 37405542, 34930847)

Department of Clinical Genetics, Medical University of Lodz
Classification: Pathogenic for Generalized epilepsy with febrile seizures plus, type 2. Last evaluated: 2023-07-27. Review status: criteria provided, single submitter. Criteria: ACMG Guidelines, 2015. Collection method: literature only. Allele origin: unknown. Inheritance: Autosomal dominant inheritance. Affected: yes. Observed: 1 variant allele.

Literature cited by the submitters: DOI 10.1007/s10048-023-00724-w (cited by Department of Clinical Genetics, Medical University of Lodz).